The following is an entry in ClinVar:

NM_001148.6(ANK2):c.1730A>T (p.Asp577Val)

Gene: ANK2 (ankyrin 2; plus strand). Cytogenetic location: 4q26.
Variant type: single nucleotide variant.
Coding change: c.1730A>T on transcript NM_001148.6 (MANE Select); coding-DNA position 1730, A replaced by T.
Protein change: p.Asp577Val; replaces aspartic acid 577 with valine.
Molecular consequence: missense variant.
Genome position (GRCh38, 1-based): chr4:113,277,883, A>T. VCF-style: chr4-113277883-A-T. GRCh37 (hg19) VCF-style: chr4-114199039-A-T.
Other names: c.1775A>T, p.Asp592Val (NM_001386144.1, NM_001386152.1, NM_001354230.2 and 5 more transcripts); c.1643A>T, p.Asp548Val (NM_001386146.1, NM_001386149.1, NM_001386150.1 and 13 more transcripts); c.1688A>T, p.Asp563Val (NM_001386147.1, NM_001386160.1, NM_001354261.2); c.1718A>T, p.Asp573Val (NM_001386148.2, NM_001386186.2); c.1667A>T, p.Asp556Val (NM_001127493.3, NM_001354252.2, NM_001354253.2 and 14 more transcripts); c.1730A>T, p.Asp577Val (NM_001354225.2, NM_001354228.2, NM_001354232.2 and 8 more transcripts); c.1532A>T, p.Asp511Val (NM_001354273.2); c.1445A>T, p.Asp482Val (NM_001354277.2, NM_001386157.1, NM_001386158.1); and 4 more; short protein forms D482V, D577V, D586V, D556V, D563V, D511V, D548V, D565V.
Identifiers: ClinVar variation 4096698 (VCV004096698.1).

ClinVar aggregate classification (germline): Uncertain significance (1 of 4 stars; one submission).

Conditions:
Cardiovascular phenotype. Identifiers: MedGen CN230736.

Submission:

Ambry Genetics
Classification: Uncertain significance for Cardiovascular phenotype. Last evaluated: 2025-08-09. Review status: criteria provided, single submitter. Criteria: Ambry Variant Classification Scheme 2023. Collection method: clinical testing. Allele origin: germline.
Comment: The p.D577V variant (also known as c.1730A>T), located in coding exon 16 of the ANK2 gene, results from an A to T substitution at nucleotide position 1730. The aspartic acid at codon 577 is replaced by valine, an amino acid with highly dissimilar properties. This amino acid position is conserved. In addition, the in silico prediction for this alteration is inconclusive. Based on the available evidence, the clinical significance of this variant remains unclear.